The following is an entry in ClinVar:

NM_018076.5(ODAD2):c.2491A>G (p.Met831Val)

Gene: ODAD2 (outer dynein arm docking complex subunit 2; minus strand). Cytogenetic location: 10p12.1.
Variant type: single nucleotide variant.
Coding change: c.2491A>G on transcript NM_018076.5 (MANE Select); coding-DNA position 2491, A replaced by G.
Protein change: p.Met831Val; replaces methionine 831 with valine.
Molecular consequence: missense variant.
Genome position (GRCh38, 1-based): chr10:27,935,014, T>C on the plus strand (A>G on the coding strand, the complement: ODAD2 is on the minus strand). VCF-style: chr10-27935014-T-C. GRCh37 (hg19) VCF-style: chr10-28223943-T-C.
Other names: c.2491A>G, p.Met831Val (NM_001290020.2); c.1066A>G, p.Met356Val (NM_001290021.2); c.1567A>G, p.Met523Val (NM_001312689.2); short protein forms M356V, M523V, M831V.
Identifiers: ClinVar variation 1059935 (VCV001059935.6), dbSNP rs762385193, ClinGen allele CA5453203.

ClinVar aggregate classification (germline): Uncertain significance (1 of 4 stars; one submission).

Conditions:
Primary ciliary dyskinesia 23 (CILD23). Also called: CILIARY DYSKINESIA, PRIMARY, 23, WITH OR WITHOUT SITUS INVERSUS. Identifiers: Orphanet 244, MedGen C3809548, MONDO:0014193, OMIM 615451.

Allele frequency attached by ClinVar (database versions not stated): TOPMed below 0.00001; ExAC 0.00001; gnomAD 0.00001; gnomAD exomes 0.00001 and 0.00002.
gnomAD v4.1: 29 of 1,613,830 alleles (0.0018%); highest among the groups gnomAD compares: Non-Finnish European, 0.0024%; no homozygotes.

Submission:

Labcorp Genetics (formerly Invitae), Labcorp
Classification: Uncertain significance for Primary ciliary dyskinesia 23. Last evaluated: 2021-09-01. Review status: criteria provided, single submitter. Criteria: Invitae Variant Classification Sherloc (09022015). Collection method: clinical testing. Allele origin: germline.
Comment: This sequence change replaces methionine with valine at codon 831 of the ARMC4 protein (p.Met831Val). The methionine residue is highly conserved and there is a small physicochemical difference between methionine and valine. This variant is present in population databases (rs762385193, ExAC 0.001%). This variant has not been reported in the literature in individuals affected with ARMC4-related conditions. Algorithms developed to predict the effect of missense changes on protein structure and function are either unavailable or do not agree on the potential impact of this missense change (SIFT: "Deleterious"; PolyPhen-2: "Probably Damaging"; Align-GVGD: "Class C0"). In summary, the available evidence is currently insufficient to determine the role of this variant in disease. Therefore, it has been classified as a Variant of Uncertain Significance.